The following is an entry in ClinVar:

NM_007129.5(ZIC2):c.707A>G (p.His236Arg)

Gene: ZIC2 (Zic family zinc finger 2; plus strand). Cytogenetic location: 13q32.3.
Variant type: single nucleotide variant.
Coding change: c.707A>G on transcript NM_007129.5 (MANE Select); coding-DNA position 707, A replaced by G.
Protein change: p.His236Arg; replaces histidine 236 with arginine.
Molecular consequence: missense variant.
Genome position (GRCh38, 1-based): chr13:99,982,771, A>G. VCF-style: chr13-99982771-A-G. GRCh37 (hg19) VCF-style: chr13-100635025-A-G.
Other names: short protein forms H236R.
Identifiers: ClinVar variation 2807336 (VCV002807336.3), dbSNP rs370011753, ClinGen allele CA7032847.

ClinVar aggregate classification (germline): Uncertain significance (1 of 4 stars; one submission).

Conditions:
Holoprosencephaly 5 (HPE5). Identifiers: Orphanet 2162, MedGen C1864827, MONDO:0012322, OMIM 609637.

Allele frequency attached by ClinVar (database versions not stated): gnomAD exomes below 0.00001; ExAC 0.00001; ESP Exome Variant Server 0.00008.
gnomAD v4.1: 2 of 1,576,328 alleles (0.00013%); highest among the groups gnomAD compares: Non-Finnish European, 0.00017%; no homozygotes.

Submission:

Labcorp Genetics (formerly Invitae), Labcorp
Classification: Uncertain significance for Holoprosencephaly 5. Last evaluated: 2025-02-17. Review status: criteria provided, single submitter. Criteria: Invitae Variant Classification Sherloc (09022015). Collection method: clinical testing. Allele origin: germline.
Comment: This sequence change replaces histidine, which is basic and polar, with arginine, which is basic and polar, at codon 236 of the ZIC2 protein (p.His236Arg). The frequency data for this variant in the population databases is considered unreliable, as metrics indicate poor data quality at this position in the gnomAD database. This variant has not been reported in the literature in individuals affected with ZIC2-related conditions. ClinVar contains an entry for this variant (Variation ID: 2807336). An algorithm developed to predict the effect of missense changes on protein structure and function (PolyPhen-2) suggests that this variant is likely to be tolerated. In summary, the available evidence is currently insufficient to determine the role of this variant in disease. Therefore, it has been classified as a Variant of Uncertain Significance.